The following is an entry in ClinVar:

NM_004369.4(COL6A3):c.6451G>A (p.Val2151Ile)

Gene: COL6A3 (collagen type VI alpha 3 chain; minus strand). Cytogenetic location: 2q37.3.
Variant type: single nucleotide variant.
Coding change: c.6451G>A on transcript NM_004369.4 (MANE Select); coding-DNA position 6451, G replaced by A.
Protein change: p.Val2151Ile; replaces valine 2151 with isoleucine.
Molecular consequence: missense variant.
Genome position (GRCh38, 1-based): chr2:237,358,541, C>T on the plus strand (G>A on the coding strand, the complement: COL6A3 is on the minus strand). VCF-style: chr2-237358541-C-T. GRCh37 (hg19) VCF-style: chr2-238267184-C-T.
Other names: c.4630G>A, p.Val1544Ile (NM_057166.5); c.5833G>A, p.Val1945Ile (NM_057167.4); short protein forms V1544I, V1945I, V2151I.
Identifiers: ClinVar variation 3704329 (VCV003704329.2).

ClinVar aggregate classification (germline): Uncertain significance (1 of 4 stars; one submission).

Conditions:
Bethlem myopathy 1A. Also called: MYOPATHY, BENIGN CONGENITAL, WITH CONTRACTURES; Bethlem myopathy 1; Bethlem Muscular Dystrophy. Identifiers: Orphanet 610, MedGen CN029274, MONDO:0024530, OMIM 158810.

Submission:

Labcorp Genetics (formerly Invitae), Labcorp
Classification: Uncertain significance for Bethlem myopathy 1A. Last evaluated: 2024-11-03. Review status: criteria provided, single submitter. Criteria: Invitae Variant Classification Sherloc (09022015). Collection method: clinical testing. Allele origin: germline.
Comment: This sequence change replaces valine, which is neutral and non-polar, with isoleucine, which is neutral and non-polar, at codon 2151 of the COL6A3 protein (p.Val2151Ile). This variant is not present in population databases (gnomAD no frequency). This variant has not been reported in the literature in individuals affected with COL6A3-related conditions. Invitae Evidence Modeling of protein sequence and biophysical properties (such as structural, functional, and spatial information, amino acid conservation, physicochemical variation, residue mobility, and thermodynamic stability) indicates that this missense variant is not expected to disrupt COL6A3 protein function with a negative predictive value of 80%. In summary, the available evidence is currently insufficient to determine the role of this variant in disease. Therefore, it has been classified as a Variant of Uncertain Significance.